The following is an entry in ClinVar:

NM_018896.5(CACNA1G):c.1459C>A (p.Arg487Ser)

Gene: CACNA1G (calcium voltage-gated channel subunit alpha1 G; plus strand). Cytogenetic location: 17q21.33.
Variant type: single nucleotide variant.
Coding change: c.1459C>A on transcript NM_018896.5 (MANE Select); coding-DNA position 1459, C replaced by A.
Protein change: p.Arg487Ser; replaces arginine 487 with serine.
Molecular consequence: missense variant. On other transcripts: non-coding transcript variant (5).
Genome position (GRCh38, 1-based): chr17:50,575,861, C>A. VCF-style: chr17-50575861-C-A. GRCh37 (hg19) VCF-style: chr17-48653222-C-A.
Other names: c.1459C>A, p.Arg487Ser (NM_001256324.2, NM_001256325.2, NM_001256326.2 and 24 more transcripts); c.1459C>A (NM_018896.3); short protein forms R487S.
Identifiers: ClinVar variation 1189105 (VCV001189105.4), dbSNP rs762233484, ClinGen allele CA400237390.

ClinVar aggregate classification (germline): Uncertain significance. Review status: criteria provided, multiple submitters, no conflicts (2 of 4 stars). 3 submissions from 3 submitters: Uncertain significance (3). Last evaluated 2025-01-15.

Conditions:
Inborn genetic diseases. Identifiers: MedGen C0950123, MeSH D030342.
CACNA1G-related disorder. Also called: CACNA1G-related condition; CACNA1G-related disorders.

gnomAD v4.1: 5 of 1,550,316 alleles (0.00032%); highest among the groups gnomAD compares: Admixed American, 0.0078%; no homozygotes.

Submissions (3):

PreventionGenetics, part of Exact Sciences
Classification: Uncertain significance for CACNA1G-related condition. Last evaluated: 2025-01-15. Review status: criteria provided, single submitter. Criteria: ACMG Guidelines, 2015. Collection method: clinical testing. Allele origin: germline.
Comment: The CACNA1G c.1459C>A variant is predicted to result in the amino acid substitution p.Arg487Ser. To our knowledge, this variant has not been reported in the literature. This variant is reported in 0.0080% of alleles in individuals of Latino descent in gnomAD. At this time, the clinical significance of this variant is uncertain due to the absence of conclusive functional and genetic evidence.

Ambry Genetics
Classification: Uncertain significance for Inborn genetic diseases. Last evaluated: 2024-11-22. Review status: criteria provided, single submitter. Criteria: Ambry Variant Classification Scheme 2023. Collection method: clinical testing. Allele origin: germline.

GeneDx
Classification: Uncertain significance. Last evaluated: 2020-01-27. Review status: criteria provided, single submitter. Criteria: GeneDx Variant Classification Process June 2021. Collection method: clinical testing. Allele origin: germline. Affected: yes.
Comment: Has not been previously published as pathogenic or benign to our knowledge; In silico analysis, which includes protein predictors and evolutionary conservation, supports that this variant does not alter protein structure/function; In silico analysis, which includes splice predictors and evolutionary conservation, suggests this variant may impact gene splicing. In the absence of RNA/functional studies, the actual effect of this sequence change is unknown.